The following is an entry in ClinVar:

NM_000836.4(GRIN2D):c.3116C>A (p.Thr1039Asn)

Gene: GRIN2D (glutamate ionotropic receptor NMDA type subunit 2D; plus strand). Cytogenetic location: 19q13.33.
Variant type: single nucleotide variant.
Coding change: c.3116C>A on transcript NM_000836.4 (MANE Select); coding-DNA position 3116, C replaced by A.
Protein change: p.Thr1039Asn; replaces threonine 1039 with asparagine.
Molecular consequence: missense variant.
Genome position (GRCh38, 1-based): chr19:48,443,042, C>A. VCF-style: chr19-48443042-C-A. GRCh37 (hg19) VCF-style: chr19-48946299-C-A.
Other names: short protein forms T1039N.
Identifiers: ClinVar variation 2131626 (VCV002131626.4), dbSNP rs1971322344, ClinGen allele CA406674906.

ClinVar aggregate classification (germline): Uncertain significance (1 of 4 stars; one submission).

Submission:

Labcorp Genetics (formerly Invitae), Labcorp
Classification: Uncertain significance. Last evaluated: 2022-04-29. Review status: criteria provided, single submitter. Criteria: Invitae Variant Classification Sherloc (09022015). Collection method: clinical testing. Allele origin: germline.
Comment: This sequence change replaces threonine, which is neutral and polar, with asparagine, which is neutral and polar, at codon 1039 of the GRIN2D protein (p.Thr1039Asn). In summary, the available evidence is currently insufficient to determine the role of this variant in disease. Therefore, it has been classified as a Variant of Uncertain Significance. Advanced modeling of protein sequence and biophysical properties (such as structural, functional, and spatial information, amino acid conservation, physicochemical variation, residue mobility, and thermodynamic stability) performed at Invitae indicates that this missense variant is not expected to disrupt GRIN2D protein function. This variant has not been reported in the literature in individuals affected with GRIN2D-related conditions. The frequency data for this variant in the population databases is considered unreliable, as metrics indicate insufficient coverage at this position in the gnomAD database.